The following is an entry in ClinVar:

NM_001142864.4(PIEZO1):c.2233CAG[6] (p.Gln749_Glu750insGln)

Genes: HSALR1 (HSP90AB1 associated lncRNA 1; plus strand), PIEZO1 (piezo type mechanosensitive ion channel component 1 (Er blood group); minus strand). Cytogenetic location: 16q24.3.
Variant type: Microsatellite.
Coding change: c.2233CAG[6] on transcript NM_001142864.4 (MANE Select); six copies in a row of the 3-base unit CAG starting at c.2233; the reference has five copies in a row; one copy, 3 bases duplicated; also written c.2245_2247dup.
Protein change: p.Gln749_Glu750insGln.
Molecular consequence: inframe insertion. On other transcripts: inframe indel (1).
Genome position (GRCh38, 1-based): chr16:88,733,988-88,733,990, CTG duplicated on the plus strand (CAG on the coding strand, the reverse complement: PIEZO1 is on the minus strand); duplicating any 3 consecutive bases within chr16:88,733,988-88,734,002 gives the same sequence; the position shown is the placement nearest the transcript's 3' end. VCF-style (leftmost placement, unchanged base first): chr16-88733987-C-CCTG. GRCh37 (hg19) VCF-style: chr16-88800395-C-CCTG.
Other names: p.Gln749dup; c.2245_2247dup (NM_001142864.4); c.778_780CAG[6], p.Gln264_Glu265insGln (NM_014745.1).
Identifiers: ClinVar variation 2156567 (VCV002156567.7), dbSNP rs144777557, ClinGen allele CA8232833.
Genomic context (GRCh38, chr16:88,733,987, plus strand): 5'-GGTGGGGAGTGGCCACGCCCAGCCCCTCGTCCCTGGAGTCCTCCTCCTCCTCCTCCTCCT[C>CCTG]CTGCTGCTGCTGCTGATGCTCCTGCTGCTCCTCCCGCAGCAGTGGGGTCCCACTCACTGC-3'

ClinVar aggregate classification (germline): Uncertain significance. Review status: criteria provided, multiple submitters, no conflicts (2 of 4 stars). 4 submissions from 4 submitters: Uncertain significance (3). 1 of the submissions does not count toward it. Last evaluated 2025-06-20.

Conditions:
PIEZO1-related disorder. Also called: PIEZO1-related condition; PIEZO1-Related Disorders.

Submissions (4):

Labcorp Genetics (formerly Invitae), Labcorp
Classification: Uncertain significance. Last evaluated: 2025-06-20. Review status: criteria provided, single submitter. Criteria: Invitae Variant Classification Sherloc (09022015). Collection method: clinical testing. Allele origin: germline.
Comment: This variant, c.2245_2247dup, results in the insertion of 1 amino acid(s) of the PIEZO1 protein (p.Gln749dup), but otherwise preserves the integrity of the reading frame. The frequency data for this variant in the population databases is considered unreliable, as metrics indicate poor data quality at this position in the gnomAD database. This variant has not been reported in the literature in individuals affected with PIEZO1-related conditions. ClinVar contains an entry for this variant (Variation ID: 2156567). In summary, the available evidence is currently insufficient to determine the role of this variant in disease. Therefore, it has been classified as a Variant of Uncertain Significance.

Mayo Clinic Laboratories, Mayo Clinic
Classification: Uncertain significance. Last evaluated: 2024-10-15. Review status: criteria provided, single submitter. Criteria: ACMG Guidelines, 2015. Collection method: clinical testing. Allele origin: germline. Observed: 1 variant allele.

ARUP Laboratories, Molecular Genetics and Genomics, ARUP Laboratories
Classification: Uncertain significance. Last evaluated: 2024-07-29. Review status: criteria provided, single submitter. Criteria: ARUP Molecular Germline Variant Investigation Process 2024. Collection method: clinical testing. Allele origin: germline.
Comment: The PIEZO1 c.2245_2247dup; p.Gln749dup variant (rs144777557), to our knowledge, is not reported in the medical literature but is reported in ClinVar (Variation ID: 2156567). This variant is found primarily in the South Asian population with an allele frequency of 0.67% (136/20292 alleles, including 2 homozygotes) in the Genome Aggregation Database (v2.1.1), but is considered a low confidence variant in the database. This variant duplicates a single glutamine residue leaving the rest of the protein in-frame. Due to limited information, the clinical significance of this variant is uncertain at this time.

PreventionGenetics, part of Exact Sciences
Classification: Likely benign for PIEZO1-related condition. Last evaluated: 2020-03-31. Review status: no assertion criteria provided. Collection method: clinical testing. Allele origin: germline. Not counted in ClinVar's aggregate classification.
Comment: This variant is classified as likely benign based on ACMG/AMP sequence variant interpretation guidelines (Richards et al. 2015 PMID: 25741868, with internal and published modifications).